The following is an entry in ClinVar:

NM_000246.4(CIITA):c.109C>A (p.Leu37Ile)

Gene: CIITA (class II major histocompatibility complex transactivator; plus strand). Cytogenetic location: 16p13.13.
Variant type: single nucleotide variant.
Coding change: c.109C>A on transcript NM_000246.4 (MANE Select); coding-DNA position 109, C replaced by A.
Protein change: p.Leu37Ile; replaces leucine 37 with isoleucine.
Molecular consequence: missense variant. On other transcripts: non-coding transcript variant (1).
Genome position (GRCh38, 1-based): chr16:10,895,338, C>A. VCF-style: chr16-10895338-C-A. GRCh37 (hg19) VCF-style: chr16-10989195-C-A.
Other names: c.109C>A, p.Leu37Ile (NM_001286402.1, NM_001286403.2, NM_001379330.1 and 3 more transcripts); c.37C>A, p.Leu13Ile (NM_001379334.1); short protein forms L37I, L13I.
Identifiers: ClinVar variation 852634 (VCV000852634.6), dbSNP rs781465355, ClinGen allele CA277725140.

ClinVar aggregate classification (germline): Uncertain significance (1 of 4 stars; one submission).

Conditions:
MHC class II deficiency. Also called: Bare lymphocyte syndrome 2; BLS, TYPE II. Identifiers: Orphanet 572, MedGen C5447452, MONDO:0008855.

Allele frequency attached by ClinVar (database versions not stated): gnomAD exomes 0.00001 and 0.00002.

Submission:

Labcorp Genetics (formerly Invitae), Labcorp
Classification: Uncertain significance for MHC class II deficiency. Last evaluated: 2021-08-28. Review status: criteria provided, single submitter. Criteria: Invitae Variant Classification Sherloc (09022015). Collection method: clinical testing. Allele origin: germline.
Comment: This sequence change replaces leucine with isoleucine at codon 37 of the CIITA protein (p.Leu37Ile). The leucine residue is moderately conserved and there is a small physicochemical difference between leucine and isoleucine. This variant is not present in population databases (ExAC no frequency). This variant has not been reported in the literature in individuals affected with CIITA-related conditions. Algorithms developed to predict the effect of missense changes on protein structure and function are either unavailable or do not agree on the potential impact of this missense change (SIFT: "Deleterious"; PolyPhen-2: "Probably Damaging"; Align-GVGD: "Class C0"). In summary, the available evidence is currently insufficient to determine the role of this variant in disease. Therefore, it has been classified as a Variant of Uncertain Significance.